The following is an entry in ClinVar:

NM_000138.5(FBN1):c.7706del (p.Asp2569fs)

Gene: FBN1 (fibrillin 1; minus strand). Cytogenetic location: 15q21.1.
Variant type: Deletion.
Coding change: c.7706del on transcript NM_000138.5 (MANE Select); coding-DNA position 7706, one base deleted (A; older notation c.7706delA).
Protein change: p.Asp2569fs; shifts the reading frame from aspartic acid 2569.
Molecular consequence: frameshift variant.
Genome position (GRCh38, 1-based): chr15:48,420,800, T deleted on the plus strand (A on the coding strand, the reverse complement: FBN1 is on the minus strand). VCF-style (leftmost placement, unchanged base first): chr15-48420799-GT-G. GRCh37 (hg19) VCF-style: chr15-48712996-GT-G.
Other names: c.7706del, p.Asp2569fs (NM_001406716.1); short protein forms D2569fs.
Identifiers: ClinVar variation 2944114 (VCV002944114.3), dbSNP rs2505395413, ClinGen allele CA2740096613.
Genomic context (GRCh38, chr15:48,420,799, plus strand): 5'-CCTGTAGCCCCCAATGATGTTCTGGCAGCCATGCTGGCAGCGGTGGTTACCCTCACACTC[GT>G]CCACGTCTGAAAAAGAAGCAGAGCCACCATGATGCCAACTCAACATCTCTCTCTGAAGCC-3'

ClinVar aggregate classification (germline): Pathogenic (1 of 4 stars; one submission).

Conditions:
Marfan syndrome (MFS). Also called: MARFAN SYNDROME, TYPE I; Marfan syndrome type 1; Marfan's syndrome; Marfan syndrome, classic; FBN1-Related Marfan Syndrome. Identifiers: Orphanet 284963, Orphanet 558, MedGen C0024796, MONDO:0007947, OMIM 154700.
Familial thoracic aortic aneurysm and aortic dissection (TAAD). Also called: Thoracic aortic aneurysms and dissections. Identifiers: Orphanet 91387, MedGen C4707243, MONDO:0019625.

Submission:

Labcorp Genetics (formerly Invitae), Labcorp
Classification: Pathogenic for Marfan syndrome; Familial thoracic aortic aneurysm and aortic dissection. Last evaluated: 2023-02-10. Review status: criteria provided, single submitter. Criteria: Invitae Variant Classification Sherloc (09022015). Collection method: clinical testing. Allele origin: germline.
Comment: This sequence change creates a premature translational stop signal (p.Asp2569Alafs*113) in the FBN1 gene. It is expected to result in an absent or disrupted protein product. Loss-of-function variants in FBN1 are known to be pathogenic (PMID: 17657824, 19293843). For these reasons, this variant has been classified as Pathogenic. This variant has not been reported in the literature in individuals affected with FBN1-related conditions. This variant is not present in population databases (gnomAD no frequency).

Literature cited by the submitters: PubMed 17657824; PubMed 19293843.